The following is an entry in ClinVar:

NM_004329.3(BMPR1A):c.1360C>A (p.Gln454Lys)

Gene: BMPR1A (bone morphogenetic protein receptor type 1A; plus strand). Cytogenetic location: 10q23.2.
Variant type: single nucleotide variant.
Coding change: c.1360C>A on transcript NM_004329.3 (MANE Select); coding-DNA position 1360, C replaced by A.
Protein change: p.Gln454Lys; replaces glutamine 454 with lysine.
Molecular consequence: missense variant. On other transcripts: non-coding transcript variant (3).
Genome position (GRCh38, 1-based): chr10:86,923,393, C>A. VCF-style: chr10-86923393-C-A. GRCh37 (hg19) VCF-style: chr10-88683150-C-A.
Other names: c.1435C>A, p.Gln479Lys (NM_001406559.1); c.1408C>A, p.Gln470Lys (NM_001406560.1); c.1360C>A, p.Gln454Lys (NM_001406561.1, NM_001406562.1, NM_001406563.1 and 19 more transcripts); c.1354C>A, p.Gln452Lys (NM_001406583.1); c.1276C>A, p.Gln426Lys (NM_001406584.1, NM_001406585.1, NM_001406586.1 and 2 more transcripts); c.1018C>A, p.Gln340Lys (NM_001406589.1); short protein forms Q340K, Q426K, Q452K, Q454K, Q470K, Q479K.
Identifiers: ClinVar variation 3223945 (VCV003223945.1), dbSNP rs1554891570, ClinGen allele CA377462689.

ClinVar aggregate classification (germline): Uncertain significance (1 of 4 stars; one submission).

Conditions:
Hereditary cancer-predisposing syndrome. Also called: Tumor predisposition; Hereditary neoplastic syndrome; Hereditary Cancer Syndrome; Neoplastic Syndromes, Hereditary. Identifiers: Orphanet 140162, MedGen C0027672, MeSH D009386, MONDO:0015356.

Submission:

Ambry Genetics
Classification: Uncertain significance for Hereditary cancer-predisposing syndrome. Last evaluated: 2023-10-13. Review status: criteria provided, single submitter. Criteria: Ambry Variant Classification Scheme 2023. Collection method: clinical testing. Allele origin: germline.
Comment: The p.Q454K variant (also known as c.1360C>A), located in coding exon 10 of the BMPR1A gene, results from a C to A substitution at nucleotide position 1360. The glutamine at codon 454 is replaced by lysine, an amino acid with similar properties. This amino acid position is conserved. In addition, this alteration is predicted to be deleterious by in silico analysis. Since supporting evidence is limited at this time, the clinical significance of this alteration remains unclear.